The following is an entry in ClinVar:

ClinVar aggregate classification (germline): Benign/Likely benign. Review status: criteria provided, multiple submitters, no conflicts (2 of 4 stars). 3 submissions from 3 submitters: Benign (1); Likely benign (2). Last evaluated 2026-01-23.

Conditions:
Short-rib thoracic dysplasia 13 with or without polydactyly (SRTD13). Identifiers: Orphanet 474, MedGen C4225378, MONDO:0014577, OMIM 616300.

Submissions (3):

Labcorp Genetics (formerly Invitae), Labcorp
Classification: Benign for Short-rib thoracic dysplasia 13 with or without polydactyly. Last evaluated: 2026-01-23. Review status: criteria provided, single submitter. Criteria: Invitae Variant Classification Sherloc (09022015). Collection method: clinical testing. Allele origin: germline.

Mayo Clinic Laboratories, Mayo Clinic
Classification: Likely benign. Last evaluated: 2025-06-27. Review status: criteria provided, single submitter. Criteria: ACMG Guidelines, 2015. Collection method: clinical testing. Allele origin: germline. Observed: 6 variant alleles.
Comment: BP4, BP7

Blueprint Genetics
Classification: Likely benign. Last evaluated: 2024-11-26. Review status: criteria provided, single submitter. Criteria: ACMG Guidelines, 2015. Collection method: clinical testing. Allele origin: germline.

NM_001375405.1(CEP120):c.1431-11_1431-10dup

Gene: CEP120 (centrosomal protein 120; minus strand). Cytogenetic location: 5q23.2.
Variant type: Duplication.
Coding change: c.1431-11_1431-10dup on transcript NM_001375405.1 (MANE Select); 11 bases into the intron before coding-DNA position 1431 through 10 bases into the intron before coding-DNA position 1431, 2 bases duplicated (TT; older notation c.1431-11_1431-10dupTT).
Molecular consequence: intron variant.
Genome position (GRCh38, 1-based): chr5:123,386,677-123,386,678, AA duplicated on the plus strand (TT on the coding strand, the reverse complement: CEP120 is on the minus strand); duplicating any 2 consecutive bases within chr5:123,386,677-123,386,698 gives the same sequence; the c. name uses the placement nearest the transcript's 3' end. VCF-style (leftmost placement, unchanged base first): chr5-123386676-T-TAA. GRCh37 (hg19) VCF-style: chr5-122722370-T-TAA.
Other names: p.?; c.1353-11_1353-10dup (NM_001166226.2); c.1431-11_1431-10dup (NM_153223.4, NM_001375407.1, NM_153223.3); c.858-11_858-10dup (NM_001375408.1, NM_001375409.1); c.1296-11_1296-10dup (NM_001375406.1).
Identifiers: ClinVar variation 3001670 (VCV003001670.5), dbSNP rs75744800, ClinGen allele CA3386973.
Genomic context (GRCh38, chr5:123,386,676, plus strand): 5'-AGGAGGATTAGTCATAATAGGAGCTGCACTTCCAAAGAATGGATATGAGTACCTAGAATT[T>TAA]AAAAAAAAAAAAAAAAAAAAAAGCCTTAATGATATGGTTTACAGATGACATTCAGTCTGT-3'